The following is an entry in ClinVar:

ClinVar aggregate classification (germline): Uncertain significance (1 of 4 stars; one submission).

Submission:

Labcorp Genetics (formerly Invitae), Labcorp
Classification: Uncertain significance. Last evaluated: 2025-11-27. Review status: criteria provided, single submitter. Criteria: Invitae Variant Classification Sherloc (09022015). Collection method: clinical testing. Allele origin: germline.
Comment: This sequence change creates a premature translational stop signal (p.Ser181Hisfs*51) in the WNT3A gene. While this is not anticipated to result in nonsense mediated decay, it is expected to disrupt the last 172 amino acid(s) of the WNT3A protein. This variant is present in population databases (rs769435124, gnomAD 0.002%). This variant has not been reported in the literature in individuals affected with WNT3A-related conditions. Experimental studies and prediction algorithms are not available or were not evaluated, and the functional significance of this variant is currently unknown. In summary, the available evidence is currently insufficient to determine the role of this variant in disease. Therefore, it has been classified as a Variant of Uncertain Significance.

NM_033131.4(WNT3A):c.540_541insCACATGC (p.Ser181fs)

Gene: WNT3A (Wnt family member 3A; plus strand). Cytogenetic location: 1q42.13.
Variant type: Insertion.
Coding change: c.540_541insCACATGC on transcript NM_033131.4 (MANE Select); coding-DNA positions 540 to 541, CACATGC inserted.
Protein change: p.Ser181fs; shifts the reading frame from serine 181.
Molecular consequence: frameshift variant.
Genome position: GRCh38 VCF-style: chr1-228050880-C-CGCCACAT. GRCh37 (hg19) VCF-style: chr1-228238581-C-CGCCACAT.
Other names: short protein forms S181fs.
Identifiers: ClinVar variation 4690821 (VCV004690821.1).